The following is an entry in ClinVar:

NM_005045.4(RELN):c.1009G>A (p.Glu337Lys)

Gene: RELN (reelin; minus strand). Cytogenetic location: 7q22.1.
Variant type: single nucleotide variant.
Coding change: c.1009G>A on transcript NM_005045.4 (MANE Select); coding-DNA position 1009, G replaced by A.
Protein change: p.Glu337Lys; replaces glutamic acid 337 with lysine.
Molecular consequence: missense variant.
Genome position (GRCh38, 1-based): chr7:103,697,987, C>T on the plus strand (G>A on the coding strand, the complement: RELN is on the minus strand). VCF-style: chr7-103697987-C-T. GRCh37 (hg19) VCF-style: chr7-103338434-C-T.
Other names: c.1009G>A, p.Glu337Lys (NM_173054.3); short protein forms E337K.
Identifiers: ClinVar variation 1063976 (VCV001063976.6), dbSNP rs560655563, ClinGen allele CA4422380.

ClinVar aggregate classification (germline): Uncertain significance (1 of 4 stars; one submission).

Conditions:
Norman-Roberts syndrome (LIS2). Also called: Lissencephaly 2 (Norman-Roberts type). Identifiers: Orphanet 89844, MedGen C0796089, MONDO:0009760, OMIM 257320.
Familial temporal lobe epilepsy 7. Identifiers: Orphanet 101046, MedGen C4225327, MONDO:0014639, OMIM 616436.

Allele frequency attached by ClinVar (database versions not stated): gnomAD exomes below 0.00001 and 0.00001; ExAC 0.00001; gnomAD 0.00001; 1000 Genomes Project 30x 0.00016; 1000 Genomes Project 0.00020.
gnomAD v4.1: 2 of 1,613,804 alleles (0.00012%); highest among the groups gnomAD compares: Admixed American, 0.0017%; no homozygotes.

Submission:

Labcorp Genetics (formerly Invitae), Labcorp
Classification: Uncertain significance for Familial temporal lobe epilepsy 7; Norman-Roberts syndrome. Last evaluated: 2021-08-31. Review status: criteria provided, single submitter. Criteria: Invitae Variant Classification Sherloc (09022015). Collection method: clinical testing. Allele origin: germline.
Comment: This sequence change replaces glutamic acid with lysine at codon 337 of the RELN protein (p.Glu337Lys). The glutamic acid residue is moderately conserved and there is a small physicochemical difference between glutamic acid and lysine. This variant is present in population databases (rs560655563, ExAC 0.009%). This variant has not been reported in the literature in individuals affected with RELN-related conditions. Algorithms developed to predict the effect of missense changes on protein structure and function are either unavailable or do not agree on the potential impact of this missense change (SIFT: "Deleterious"; PolyPhen-2: "Benign"; Align-GVGD: "Class C0"). In summary, the available evidence is currently insufficient to determine the role of this variant in disease. Therefore, it has been classified as a Variant of Uncertain Significance.